The following is an entry in ClinVar:

NM_001330588.2(TPP2):c.1378G>A (p.Ala460Thr)

Gene: TPP2 (tripeptidyl peptidase 2; plus strand). Cytogenetic location: 13q33.1.
Variant type: single nucleotide variant.
Coding change: c.1378G>A on transcript NM_001330588.2 (MANE Select); coding-DNA position 1378, G replaced by A.
Protein change: p.Ala460Thr; replaces alanine 460 with threonine.
Molecular consequence: missense variant. On other transcripts: non-coding transcript variant (1).
Genome position (GRCh38, 1-based): chr13:102,634,083, G>A. VCF-style: chr13-102634083-G-A. GRCh37 (hg19) VCF-style: chr13-103286433-G-A.
Other names: c.1378G>A, p.Ala460Thr (NM_001367947.1, NM_003291.4); short protein forms A460T.
Identifiers: ClinVar variation 848610 (VCV000848610.9), dbSNP rs1336567363, ClinGen allele CA388486417.
Genomic context (GRCh38, chr13:102,634,083, plus strand): 5'-AGAGGGACGCAGCTGATGAATGGAACATCTATGTCTTCCCCCAATGCATGTGGAGGCATT[G>A]CCCTGATCCTTTCAGGTAAGCGTGTTCTTTATTGTCCTTACATTATTGCAGACCAATATT-3'
Protein context (NP_001317517.1, residues 450-470): MSSPNACGGI[Ala460Thr]LILSGLKANN

ClinVar aggregate classification (germline): Uncertain significance. Review status: criteria provided, multiple submitters, no conflicts (2 of 4 stars). 3 submissions from 3 submitters: Uncertain significance (3). Last evaluated 2024-11-26.

Conditions:
Inborn genetic diseases. Identifiers: MedGen C0950123, MeSH D030342.
Evans syndrome, immunodeficiency, and premature immunosenescence associated with tripeptidyl-peptidase II deficiency. Identifiers: MedGen CN231723. Disease mechanism: loss of function.

Allele frequency attached by ClinVar (database versions not stated): gnomAD exomes 0.00002 and 0.00005; TOPMed 0.00002; gnomAD 0.00003 and 0.00004.
gnomAD v4.1: 84 of 1,613,936 alleles (0.0052%); highest among the groups gnomAD compares: Non-Finnish European, 0.0067%; no homozygotes.

Submissions (3):

Ambry Genetics
Classification: Uncertain significance for Inborn genetic diseases. Last evaluated: 2024-11-26. Review status: criteria provided, single submitter. Criteria: Ambry Variant Classification Scheme 2023. Collection method: clinical testing. Allele origin: germline.

Blueprint Genetics
Classification: Uncertain significance. Last evaluated: 2024-08-29. Review status: criteria provided, single submitter. Criteria: ACMG Guidelines, 2015. Collection method: clinical testing. Allele origin: germline.

Labcorp Genetics (formerly Invitae), Labcorp
Classification: Uncertain significance for Evans syndrome, immunodeficiency, and premature immunosenescence associated with tripeptidyl-peptidase II deficiency. Last evaluated: 2022-04-21. Review status: criteria provided, single submitter. Criteria: Invitae Variant Classification Sherloc (09022015). Collection method: clinical testing. Allele origin: germline.
Comment: This sequence change replaces alanine, which is neutral and non-polar, with threonine, which is neutral and polar, at codon 460 of the TPP2 protein (p.Ala460Thr). This variant is present in population databases (no rsID available, gnomAD 0.007%). This variant has not been reported in the literature in individuals affected with TPP2-related conditions. ClinVar contains an entry for this variant (Variation ID: 848610). Algorithms developed to predict the effect of missense changes on protein structure and function (SIFT, PolyPhen-2, Align-GVGD) all suggest that this variant is likely to be disruptive. In summary, the available evidence is currently insufficient to determine the role of this variant in disease. Therefore, it has been classified as a Variant of Uncertain Significance.